The following is an entry in ClinVar:

ClinVar aggregate classification (germline): Uncertain significance (1 of 4 stars; one submission).

Conditions:
Cornelia de Lange syndrome 1 (CDLS1). Also called: TYPUS DEGENERATIVUS AMSTELODAMENSIS; NIPBL-Related Cornelia de Lange Syndrome; Brachmann de Lange syndrome. Identifiers: Orphanet 199, MedGen C4551851, MONDO:0007387, OMIM 122470.

Submission:

Labcorp Genetics (formerly Invitae), Labcorp
Classification: Uncertain significance for Cornelia de Lange syndrome 1. Last evaluated: 2021-12-02. Review status: criteria provided, single submitter. Criteria: Invitae Variant Classification Sherloc (09022015). Collection method: clinical testing. Allele origin: germline.
Comment: This sequence change replaces glutamic acid, which is acidic and polar, with alanine, which is neutral and non-polar, at codon 650 of the NIPBL protein (p.Glu650Ala). This variant is not present in population databases (gnomAD no frequency). This variant has not been reported in the literature in individuals affected with NIPBL-related conditions. Advanced modeling of protein sequence and biophysical properties (such as structural, functional, and spatial information, amino acid conservation, physicochemical variation, residue mobility, and thermodynamic stability) performed at Invitae indicates that this missense variant is not expected to disrupt NIPBL protein function. In summary, the available evidence is currently insufficient to determine the role of this variant in disease. Therefore, it has been classified as a Variant of Uncertain Significance.

NM_133433.4(NIPBL):c.1949A>C (p.Glu650Ala)

Gene: NIPBL (NIPBL cohesin loading factor; plus strand). Cytogenetic location: 5p13.2.
Variant type: single nucleotide variant.
Coding change: c.1949A>C on transcript NM_133433.4 (MANE Select); coding-DNA position 1949, A replaced by C.
Protein change: p.Glu650Ala; replaces glutamic acid 650 with alanine.
Molecular consequence: missense variant.
Genome position (GRCh38, 1-based): chr5:36,985,129, A>C. VCF-style: chr5-36985129-A-C. GRCh37 (hg19) VCF-style: chr5-36985231-A-C.
Other names: c.1949A>C, p.Glu650Ala (NM_015384.5); short protein forms E650A.
Identifiers: ClinVar variation 1477787 (VCV001477787.6), dbSNP rs2149644038, ClinGen allele CA359496466.